The following is an entry in ClinVar:

NM_000059.4(BRCA2):c.9650T>A (p.Met3217Lys)

Gene: BRCA2 (BRCA2 DNA repair associated; plus strand). Cytogenetic location: 13q13.1.
Variant type: single nucleotide variant.
Coding change: c.9650T>A on transcript NM_000059.4 (MANE Select); coding-DNA position 9650, T replaced by A.
Protein change: p.Met3217Lys; replaces methionine 3217 with lysine.
Molecular consequence: missense variant.
Genome position (GRCh38, 1-based): chr13:32,398,163, T>A. VCF-style: chr13-32398163-T-A. GRCh37 (hg19) VCF-style: chr13-32972300-T-A.
Other names: short protein forms M3217K.
Identifiers: ClinVar variation 823383 (VCV000823383.15), dbSNP rs1441735974, ClinGen allele CA387765060.
Genomic context (GRCh38, chr13:32,398,163, plus strand): 5'-ATTTAGTTTTTTATGTTACTACATAATTATGATAGGCTACGTTTTCATTTTTTTATCAGA[T>A]GTCTTCTCCTAATTGTGAGATATATTATCAAAGTCCTTTATCACTTTGTATGGCCAAAAG-3'
Protein context (NP_000050.3, residues 3207-3227): IIPGTGNKLL[Met3217Lys]SSPNCEIYYQ

ClinVar aggregate classification (germline): Uncertain significance. Review status: criteria provided, multiple submitters, no conflicts (2 of 4 stars). 4 submissions from 4 submitters: Uncertain significance (4). Last evaluated 2025-10-06.

Conditions:
Hereditary cancer-predisposing syndrome. Also called: Tumor predisposition; Hereditary Cancer Syndrome; Neoplastic Syndromes, Hereditary; Hereditary neoplastic syndrome. Identifiers: Orphanet 140162, MedGen C0027672, MeSH D009386, MONDO:0015356.
Hereditary breast ovarian cancer syndrome. Also called: Hereditary breast and ovarian cancer; Breast and ovarian cancer; Hereditary breast and/or ovarian cancer syndrome; Hereditary breast and ovarian cancer syndrome; BRCA1- and BRCA2-Associated Hereditary Breast and Ovarian Cancer; Hereditary breast and ovarian cancer syndrome (HBOC). Identifiers: Orphanet 145, MedGen C0677776, MeSH D061325, MONDO:0003582. Disease mechanism: loss of function.
Familial cancer of breast. Also called: BREAST CANCER, FAMILIAL; Hereditary breast cancer; hereditary breast carcinoma. Identifiers: Orphanet 227535, MedGen C0346153, MONDO:0016419, OMIM 114480. Disease mechanism: loss of function.

Allele frequency attached by ClinVar (database versions not stated): gnomAD exomes below 0.00001.
gnomAD v4.1: 1 of 1,606,866 alleles (0.000062%); highest among the groups gnomAD compares: Non-Finnish European, 0.000085%; no homozygotes.

Submissions (4):

Labcorp Genetics (formerly Invitae), Labcorp
Classification: Uncertain significance for Hereditary breast ovarian cancer syndrome. Last evaluated: 2025-10-06. Review status: criteria provided, single submitter. Criteria: Invitae Variant Classification Sherloc (09022015). Collection method: clinical testing. Allele origin: germline.
Comment: This sequence change replaces methionine, which is neutral and non-polar, with lysine, which is basic and polar, at codon 3217 of the BRCA2 protein (p.Met3217Lys). This variant is present in population databases (no rsID available, gnomAD 0.0009%). This variant has not been reported in the literature in individuals affected with BRCA2-related conditions. ClinVar contains an entry for this variant (Variation ID: 823383). An algorithm developed to predict the effect of missense changes on protein structure and function (PolyPhen-2) suggests that this variant is likely to be tolerated. Algorithms developed to predict the effect of sequence changes on RNA splicing suggest that this variant may disrupt the consensus splice site. In summary, the available evidence is currently insufficient to determine the role of this variant in disease. Therefore, it has been classified as a Variant of Uncertain Significance.

Ambry Genetics
Classification: Uncertain significance for Hereditary cancer-predisposing syndrome. Last evaluated: 2025-08-15. Review status: criteria provided, single submitter. Criteria: Ambry Variant Classification Scheme 2023. Collection method: clinical testing. Allele origin: germline.
Comment: The p.M3217K variant (also known as c.9650T>A), located in coding exon 26 of the BRCA2 gene, results from a T to A substitution at nucleotide position 9650. The methionine at codon 3217 is replaced by lysine, an amino acid with similar properties. In silico splice site analysis predicts that this alteration will result in the creation or strengthening of a novel splice acceptor site. RNA studies have demonstrated that this alteration does not result in abnormal splicing in the set of samples tested (Ambry internal data). This amino acid position is not well conserved in available vertebrate species. In addition, this alteration is predicted to be tolerated by in silico analysis. Since supporting evidence is limited at this time, the clinical significance of this alteration remains unclear.

Baylor Genetics
Classification: Uncertain significance for Familial cancer of breast. Last evaluated: 2023-11-23. Review status: criteria provided, single submitter. Criteria: ACMG Guidelines, 2015. Collection method: clinical testing. Allele origin: unknown.

GeneDx
Classification: Uncertain significance. Last evaluated: 2019-06-12. Review status: criteria provided, single submitter. Criteria: GeneDx Variant Classification Process June 2021. Collection method: clinical testing. Allele origin: germline. Affected: yes.
Comment: Not observed at a significant frequency in large population cohorts (Lek et al., 2016); In silico analysis, which includes protein predictors and evolutionary conservation, supports that this variant does not alter protein structure/function; This variant is associated with the following publications: (PMID: 25451944)

Literature cited by the submitters: PubMed 25186627 (cited by Ambry Genetics).